The following is an entry in ClinVar:

ClinVar aggregate classification (germline): Pathogenic (1 of 4 stars; one submission).

Conditions:
Holoprosencephaly 7 (HPE7). Identifiers: Orphanet 2162, MedGen C1835820, MONDO:0012562, OMIM 610828.

Submission:

Human Genetics Bochum, Ruhr University Bochum
Classification: Pathogenic for Holoprosencephaly 7. Last evaluated: 2025-06-02. Review status: criteria provided, single submitter. Criteria: ACMG Guidelines, 2015. Collection method: clinical testing. Allele origin: germline. Affected: yes.
Comment: de novo; ACMG criteria used to clasify this variant: PVS1, PS2, PM2_SUP

NM_000264.5(PTCH1):c.1439C>G (p.Ser480Ter)

Gene: PTCH1 (patched 1; minus strand). Cytogenetic location: 9q22.32.
Variant type: single nucleotide variant.
Coding change: c.1439C>G on transcript NM_000264.5 (MANE Select); coding-DNA position 1439, C replaced by G.
Protein change: p.Ser480Ter; replaces serine 480 with a stop codon.
Molecular consequence: nonsense. On other transcripts: non-coding transcript variant (1), intron variant (1).
Genome position (GRCh38, 1-based): chr9:95,477,611, G>C on the plus strand (C>G on the coding strand, the complement: PTCH1 is on the minus strand). VCF-style: chr9-95477611-G-C. GRCh37 (hg19) VCF-style: chr9-98239893-G-C.
Other names: c.1241C>G, p.Ser414Ter (NM_001083602.3); c.1436C>G, p.Ser479Ter (NM_001083603.3); c.986C>G, p.Ser329Ter (NM_001083604.3, NM_001083605.3, NM_001083606.3 and 1 more transcripts); c.1347+444C>G (NM_001354918.2); short protein forms S329*, S414*, S479*, S480*.
Identifiers: ClinVar variation 4687921 (VCV004687921.1).
Genomic context (GRCh38, chr9:95,477,611, plus strand): 5'-GTTGTTGCAGCGTTAAAGGAAATTCCGATCAATGAGCACAGGCCCAGTCCTGCAGCCACT[G>C]ACAGTGCAACCAGCAGGACGCCAGCCAGCCCCACGGCACCCTGGGACTTGGAGCAGTCCC-3'